The following is an entry in ClinVar:

ClinVar aggregate classification (germline): Uncertain significance (1 of 4 stars; one submission).

Conditions:
Epileptic encephalopathy. Identifiers: MedGen C0543888, HP:0200134.

gnomAD v4.1: 3 of 1,612,608 alleles (0.00019%); highest among the groups gnomAD compares: Non-Finnish European, 0.00025%; no homozygotes.

Submission:

Labcorp Genetics (formerly Invitae), Labcorp
Classification: Uncertain significance for Epileptic encephalopathy. Last evaluated: 2025-07-09. Review status: criteria provided, single submitter. Criteria: Invitae Variant Classification Sherloc (09022015). Collection method: clinical testing. Allele origin: germline.
Comment: This sequence change replaces isoleucine, which is neutral and non-polar, with valine, which is neutral and non-polar, at codon 1038 of the FASN protein (p.Ile1038Val). This variant is not present in population databases (gnomAD no frequency). This variant has not been reported in the literature in individuals affected with FASN-related conditions. An algorithm developed to predict the effect of missense changes on protein structure and function outputs the following: PolyPhen-2: "Benign". The valine amino acid residue is found in multiple mammalian species, which suggests that this missense change does not adversely affect protein function. In summary, the available evidence is currently insufficient to determine the role of this variant in disease. Therefore, it has been classified as a Variant of Uncertain Significance.

NM_004104.5(FASN):c.3112A>G (p.Ile1038Val)

Gene: FASN (fatty acid synthase; minus strand). Cytogenetic location: 17q25.3.
Variant type: single nucleotide variant.
Coding change: c.3112A>G on transcript NM_004104.5 (MANE Select); coding-DNA position 3112, A replaced by G.
Protein change: p.Ile1038Val; replaces isoleucine 1038 with valine.
Molecular consequence: missense variant.
Genome position (GRCh38, 1-based): chr17:82,087,436, T>C on the plus strand (A>G on the coding strand, the complement: FASN is on the minus strand). VCF-style: chr17-82087436-T-C. GRCh37 (hg19) VCF-style: chr17-80045312-T-C.
Other names: short protein forms I1038V.
Identifiers: ClinVar variation 4773773 (VCV004773773.1).